The following is an entry in ClinVar:

NM_000135.4(FANCA):c.3410G>A (p.Gly1137Asp)

Gene: FANCA (FA complementation group A; minus strand). Cytogenetic location: 16q24.3.
Variant type: single nucleotide variant.
Coding change: c.3410G>A on transcript NM_000135.4 (MANE Select); coding-DNA position 3410, G replaced by A.
Protein change: p.Gly1137Asp; replaces glycine 1137 with aspartic acid.
Molecular consequence: missense variant.
Genome position (GRCh38, 1-based): chr16:89,746,687, C>T on the plus strand (G>A on the coding strand, the complement: FANCA is on the minus strand). VCF-style: chr16-89746687-C-T. GRCh37 (hg19) VCF-style: chr16-89813095-C-T.
Other names: c.3410G>A, p.Gly1137Asp (NM_001286167.3); short protein forms G1137D.
Identifiers: ClinVar variation 3848227 (VCV003848227.1).

ClinVar aggregate classification (germline): Uncertain significance (1 of 4 stars; one submission).

Conditions:
Inborn genetic diseases. Identifiers: MedGen C0950123, MeSH D030342.

Submission:

Ambry Genetics
Classification: Uncertain significance for Inborn genetic diseases. Last evaluated: 2025-02-13. Review status: criteria provided, single submitter. Criteria: Ambry Variant Classification Scheme 2023. Collection method: clinical testing. Allele origin: germline.
Comment: The p.G1137D variant (also known as c.3410G>A), located in coding exon 35 of the FANCA gene, results from a G to A substitution at nucleotide position 3410. The glycine at codon 1137 is replaced by aspartic acid, an amino acid with similar properties. This amino acid position is conserved. In addition, this alteration is predicted to be deleterious by in silico analysis. Based on the available evidence, the clinical significance of this variant remains unclear.